The following is an entry in ClinVar:

NM_181882.3(PRX):c.3846G>A (p.Ser1282=)

Gene: PRX (periaxin; minus strand). Cytogenetic location: 19q13.2.
Variant type: single nucleotide variant.
Coding change: c.3846G>A on transcript NM_181882.3 (MANE Select); coding-DNA position 3846, G replaced by A.
Protein change: p.Ser1282=; no amino-acid change (serine 1282 retained).
Molecular consequence: synonymous variant. On other transcripts: 3 prime UTR variant (1).
Genome position (GRCh38, 1-based): chr19:40,394,506, C>T on the plus strand (G>A on the coding strand, the complement: PRX is on the minus strand). VCF-style: chr19-40394506-C-T. GRCh37 (hg19) VCF-style: chr19-40900413-C-T.
Other names: c.*4051G>A (NM_020956.2).
Identifiers: ClinVar variation 329253 (VCV000329253.50), dbSNP rs143289108, ClinGen allele CA9443767.

ClinVar aggregate classification (germline): Benign/Likely benign. Review status: criteria provided, multiple submitters, no conflicts (2 of 4 stars). 10 submissions from 10 submitters: Benign (5); Likely benign (5). Last evaluated 2025-12-10.

Conditions:
Inborn genetic diseases. Identifiers: MedGen C0950123, MeSH D030342.
Charcot-Marie-Tooth disease type 4. Also called: Charcot-Marie-Tooth, Type 4; Charcot-Marie-Tooth disease, type IV. Identifiers: Orphanet 64749, MedGen C4082197, MONDO:0018995.
PRX-related disorder. Also called: PRX-related condition; PRX-Related Disorders.
Charcot-Marie-Tooth disease type 4F. Also called: Charcot-Marie-Tooth disease, demyelinating, type 4F. Identifiers: Orphanet 99952, MedGen C3540453, MONDO:0013959, OMIM 614895.
Charcot-Marie-Tooth disease. Also called: Charcot-Marie-Tooth Hereditary Neuropathy; Charcot-Marie-Tooth Neuropathy. Identifiers: Orphanet 166, MedGen C0007959, MONDO:0015626.

Allele frequency attached by ClinVar (database versions not stated): gnomAD exomes 0.00022 and 0.00062; ExAC 0.00105; 1000 Genomes Project 30x 0.00250; gnomAD 0.00263 and 0.00288; 1000 Genomes Project 0.00280; TOPMed 0.00297; ESP Exome Variant Server 0.00331.
gnomAD v4.1: 744 of 1,599,890 alleles (0.047%); highest among the groups gnomAD compares: African/African-American, 0.89%; 6 homozygotes.

Submissions (10):

Labcorp Genetics (formerly Invitae), Labcorp
Classification: Benign for Charcot-Marie-Tooth disease type 4. Last evaluated: 2025-12-10. Review status: criteria provided, single submitter. Criteria: Invitae Variant Classification Sherloc (09022015). Collection method: clinical testing. Allele origin: germline.

PreventionGenetics, part of Exact Sciences
Classification: Benign for PRX-related condition. Last evaluated: 2025-03-20. Review status: criteria provided, single submitter. Criteria: ACMG Guidelines, 2015. Collection method: clinical testing. Allele origin: germline.
Comment: This variant is classified as benign based on ACMG/AMP sequence variant interpretation guidelines (Richards et al. 2015 PMID: 25741868, with internal and published modifications).

CeGaT Center for Human Genetics Tuebingen
Classification: Likely benign. Last evaluated: 2022-03-01. Review status: criteria provided, single submitter. Criteria: CeGaT Center For Human Genetics Tuebingen Variant Classification Criteria Version 2. Collection method: clinical testing. Allele origin: germline. Affected: yes. Observed: 1 variant allele.
Comment: PRX: BP4, BP7

ARUP Laboratories, Molecular Genetics and Genomics, ARUP Laboratories
Classification: Benign. Last evaluated: 2021-01-25. Review status: criteria provided, single submitter. Criteria: ARUP Molecular Germline Variant Investigation Process 2021. Collection method: clinical testing. Allele origin: germline.

Athena Diagnostics
Classification: Benign. Last evaluated: 2020-12-01. Review status: criteria provided, single submitter. Criteria: Athena Diagnostics criteria. Collection method: clinical testing. Allele origin: unknown.

Ambry Genetics
Classification: Likely benign for Inborn genetic diseases. Last evaluated: 2019-07-11. Review status: criteria provided, single submitter. Criteria: Ambry Variant Classification Scheme 2023. Collection method: clinical testing. Allele origin: germline.

GeneDx
Classification: Likely benign. Last evaluated: 2019-03-25. Review status: criteria provided, single submitter. Criteria: GeneDx Variant Classification Process June 2021. Collection method: clinical testing. Allele origin: germline. Affected: yes.

Illumina Laboratory Services, Illumina
Classification: Benign for Charcot-Marie-Tooth disease type 4F. Last evaluated: 2018-01-12. Review status: criteria provided, single submitter. Criteria: ICSL Variant Classification Criteria 13 December 2019. Collection method: clinical testing. Allele origin: germline.
Comment: This variant was observed in the ICSL laboratory as part of a predisposition screen in an ostensibly healthy population. It had not been previously curated by ICSL or reported in the Human Gene Mutation Database (HGMD: prior to June 1st, 2018), and was therefore a candidate for classification through an automated scoring system. Utilizing variant allele frequency, disease prevalence and penetrance estimates, and inheritance mode, an automated score was calculated to assess if this variant is too frequent to cause the disease. Based on the score and internal cut-off values, a variant classified as benign is not then subjected to further curation. The score for this variant resulted in a classification of benign for this disease.

Breakthrough Genomics
Classification: Likely benign. Review status: criteria provided, single submitter. Criteria: ACMG Guidelines, 2015. Collection method: not provided. Allele origin: germline. Inheritance: Autosomal recessive inheritance. Affected: yes.

Molecular Genetics Laboratory, London Health Sciences Centre
Classification: Likely benign for Charcot-Marie-Tooth disease. Review status: criteria provided, single submitter. Criteria: ACMG Guidelines, 2015. Collection method: clinical testing. Allele origin: germline. Affected: yes.